The following is an entry in ClinVar:

ClinVar aggregate classification (germline): Uncertain significance. Review status: criteria provided, multiple submitters, no conflicts (2 of 4 stars). 3 submissions from 3 submitters: Uncertain significance (3). Last evaluated 2025-11-10.

Conditions:
Classic or attenuated familial adenomatous polyposis. Identifiers: MedGen CN372698, MONDO:0021057.
Hereditary cancer-predisposing syndrome. Also called: Neoplastic Syndromes, Hereditary; Hereditary Cancer Syndrome; Tumor predisposition; Hereditary neoplastic syndrome. Identifiers: Orphanet 140162, MedGen C0027672, MeSH D009386, MONDO:0015356.
Familial adenomatous polyposis 1 (FAP1). Also called: FAMILIAL ADENOMATOUS POLYPOSIS 1, ATTENUATED; POLYPOSIS, ADENOMATOUS INTESTINAL. Identifiers: MedGen C2713442, MONDO:0021056, OMIM 175100. Disease mechanism: loss of function.

Allele frequency attached by ClinVar (database versions not stated): gnomAD exomes below 0.00001; TOPMed 0.00001.
gnomAD v4.1: 1 of 1,614,000 alleles (0.000062%); highest among the groups gnomAD compares: Non-Finnish European, 0.000085%; no homozygotes.

Submissions (3):

Labcorp Genetics (formerly Invitae), Labcorp
Classification: Uncertain significance for Familial adenomatous polyposis 1. Last evaluated: 2025-11-10. Review status: criteria provided, single submitter. Criteria: Invitae Variant Classification Sherloc (09022015). Collection method: clinical testing. Allele origin: germline.
Comment: This sequence change replaces serine, which is neutral and polar, with glycine, which is neutral and non-polar, at codon 2768 of the APC protein (p.Ser2768Gly). This variant is not present in population databases (gnomAD no frequency). This variant has not been reported in the literature in individuals affected with APC-related conditions. ClinVar contains an entry for this variant (Variation ID: 1039848). Invitae Evidence Modeling of protein sequence and biophysical properties (such as structural, functional, and spatial information, amino acid conservation, physicochemical variation, residue mobility, and thermodynamic stability) indicates that this missense variant is not expected to disrupt APC protein function with a negative predictive value of 95%. In summary, the available evidence is currently insufficient to determine the role of this variant in disease. Therefore, it has been classified as a Variant of Uncertain Significance.

Ambry Genetics
Classification: Uncertain significance for Hereditary cancer-predisposing syndrome. Last evaluated: 2024-12-11. Review status: criteria provided, single submitter. Criteria: Ambry Variant Classification Scheme 2023. Collection method: clinical testing. Allele origin: germline.
Comment: The p.S2768G variant (also known as c.8302A>G), located in coding exon 15 of the APC gene, results from an A to G substitution at nucleotide position 8302. The serine at codon 2768 is replaced by glycine, an amino acid with similar properties. This amino acid position is highly conserved in available vertebrate species. In addition, in silico predictors for this gene do not accurately predict pathogenicity. Missense alterations in APC are not a common cause of disease (Spier I et al. Genet Med. 2024 Feb;26(2):100992). Based on the available evidence, the clinical significance of this variant remains unclear.

All of Us Research Program, National Institutes of Health
Classification: Uncertain significance for Classic or attenuated familial adenomatous polyposis. Last evaluated: 2023-10-06. Review status: criteria provided, single submitter. Criteria: ACMG Guidelines, 2015. Collection method: clinical testing. Allele origin: germline. Inheritance: Autosomal dominant inheritance. Observed: 1 variant allele, 1 heterozygote.
Comment: This missense variant replaces serine with glycine at codon 2768 of the APC protein. Computational prediction suggests that this variant may not impact protein structure and function (internally defined REVEL score threshold <= 0.5, PMID: 27666373). To our knowledge, functional studies have not been reported for this variant. This variant has not been reported in individuals affected with APC-related disorders in the literature. This variant has not been identified in the general population by the Genome Aggregation Database (gnomAD). The available evidence is insufficient to determine the role of this variant in disease conclusively. Therefore, this variant is classified as a Variant of Uncertain Significance.

This study involves interpretation of variants in research participants for the purpose of population health screening. Participant phenotype was not available at the time of variant classification. Additional details can be found in publication PMID: 35346344, PMCID: PMC8962531

NM_000038.6(APC):c.8302A>G (p.Ser2768Gly)

Gene: APC (APC regulator of Wnt signaling pathway; plus strand). Cytogenetic location: 5q22.2.
Variant type: single nucleotide variant.
Coding change: c.8302A>G on transcript NM_000038.6 (MANE Select); coding-DNA position 8302, A replaced by G.
Protein change: p.Ser2768Gly; replaces serine 2768 with glycine.
Molecular consequence: missense variant.
Genome position (GRCh38, 1-based): chr5:112,843,896, A>G. VCF-style: chr5-112843896-A-G. GRCh37 (hg19) VCF-style: chr5-112179593-A-G.
Other names: c.8302A>G, p.Ser2768Gly (NM_001127510.3, NM_001354895.2); c.8248A>G, p.Ser2750Gly (NM_001127511.3); c.8356A>G, p.Ser2786Gly (NM_001354896.2); c.8332A>G, p.Ser2778Gly (NM_001354897.2); c.8227A>G, p.Ser2743Gly (NM_001354898.2); c.8218A>G, p.Ser2740Gly (NM_001354899.2); c.8179A>G, p.Ser2727Gly (NM_001354900.2); c.8125A>G, p.Ser2709Gly (NM_001354901.2); and 5 more; short protein forms S2642G, S2709G, S2740G, S2750G, S2677G, S2485G, S2608G, S2727G.
Identifiers: ClinVar variation 1039848 (VCV001039848.13), dbSNP rs1766709674, ClinGen allele CA16039345.